The following is an entry in ClinVar:

NM_006206.6(PDGFRA):c.2323+1177del

Genes: PDGFRA (platelet derived growth factor receptor alpha; plus strand), LOC126807054 (BRD4-independent group 4 enhancer GRCh37_chr4:55147260-55148459; plus strand). Cytogenetic location: 4q12.
Variant type: Deletion.
Coding change: c.2323+1177del on transcript NM_006206.6 (MANE Select); 1177 bases into the intron after coding-DNA position 2323, one base deleted (C; older notation c.2323+1177delC).
Molecular consequence: intron variant. On other transcripts: frameshift variant (1).
Genome position (GRCh38, 1-based): chr4:54,281,659, C deleted; the last of 2 consecutive C bases (chr4:54,281,658-54,281,659); deleting either gives the same sequence. VCF-style (leftmost placement, unchanged base first): chr4-54281657-AC-A. GRCh37 (hg19) VCF-style: chr4-55147824-AC-A.
Other names: c.2402del, p.Pro801fs (NM_001347827.2); c.2398+1177del (NM_001347828.2); c.2323+1177del (NM_001347829.2); c.2362+1177del (NM_001347830.2); short protein forms P801fs.
Identifiers: ClinVar variation 3051978 (VCV003051978.3), dbSNP rs771996287, ClinGen allele CA2922820.

ClinVar aggregate classification (germline): Likely benign (1 of 4 stars; one submission).

Conditions:
PDGFRA-related disorder. Also called: PDGFRA-related condition.

Submission:

PreventionGenetics, part of Exact Sciences
Classification: Likely benign for PDGFRA-related condition. Last evaluated: 2024-11-08. Review status: criteria provided, single submitter. Criteria: ACMG Guidelines, 2015. Collection method: clinical testing. Allele origin: germline.
Comment: This variant is classified as likely benign based on ACMG/AMP sequence variant interpretation guidelines (Richards et al. 2015 PMID: 25741868, with internal and published modifications).